The following is an entry in ClinVar:

ClinVar aggregate classification (germline): Uncertain significance (1 of 4 stars; one submission).

Conditions:
Neuropathy, hereditary sensory, type 2C. Also called: KIF1A-Related HSAN2 (HSAN2C); Hereditary sensory and autonomic neuropathy type IIC. Identifiers: Orphanet 970, MedGen C3280168, MONDO:0013634, OMIM 614213.
Intellectual disability, autosomal dominant 9 (NESCAVS). Also called: NESCAV SYNDROME; KIF1A-Related Neurodevelopmental Disorder. Identifiers: Orphanet 662367, MedGen C5393830, MONDO:0013656, OMIM 614255.
Hereditary spastic paraplegia 30. Identifiers: Orphanet 101010, MedGen C5235139, MONDO:0012476.

Allele frequency attached by ClinVar (database versions not stated): gnomAD 0.00001; gnomAD exomes 0.00001; TOPMed 0.00001; ExAC 0.00008.
gnomAD v4.1: 11 of 1,551,168 alleles (0.00071%); highest among the groups gnomAD compares: East Asian, 0.0048%; no homozygotes.

Submission:

Labcorp Genetics (formerly Invitae), Labcorp
Classification: Uncertain significance for Hereditary spastic paraplegia 30; Neuropathy, hereditary sensory, type 2C; Intellectual disability, autosomal dominant 9. Last evaluated: 2022-09-05. Review status: criteria provided, single submitter. Criteria: Invitae Variant Classification Sherloc (09022015). Collection method: clinical testing. Allele origin: germline.
Comment: Algorithms developed to predict the effect of missense changes on protein structure and function are either unavailable or do not agree on the potential impact of this missense change (SIFT: "Deleterious"; PolyPhen-2: "Benign"; Align-GVGD: "Class C15"). This sequence change replaces threonine, which is neutral and polar, with methionine, which is neutral and non-polar, at codon 801 of the KIF1A protein (p.Thr801Met). The frequency data for this variant in the population databases is considered unreliable, as metrics indicate poor data quality at this position in the gnomAD database. This variant has not been reported in the literature in individuals affected with KIF1A-related conditions. ClinVar contains an entry for this variant (Variation ID: 650872). In summary, the available evidence is currently insufficient to determine the role of this variant in disease. Therefore, it has been classified as a Variant of Uncertain Significance.

NM_001244008.2(KIF1A):c.2429C>T (p.Thr810Met)

Gene: KIF1A (kinesin family member 1A; minus strand). Cytogenetic location: 2q37.3.
Variant type: single nucleotide variant.
Coding change: c.2429C>T on transcript NM_001244008.2 (MANE Select); coding-DNA position 2429, C replaced by T.
Protein change: p.Thr810Met; replaces threonine 810 with methionine.
Molecular consequence: missense variant.
Genome position (GRCh38, 1-based): chr2:240,760,680, G>A on the plus strand (C>T on the coding strand, the complement: KIF1A is on the minus strand). VCF-style: chr2-240760680-G-A. GRCh37 (hg19) VCF-style: chr2-241700097-G-A.
Other names: c.2429C>T, p.Thr810Met (NM_001320705.2, NM_001330289.2, NM_001379638.1); c.2504C>T, p.Thr835Met (NM_001330290.2, NM_001379631.1, NM_001379634.1 and 2 more transcripts); c.2402C>T, p.Thr801Met (NM_001379632.1, NM_001379633.1, NM_001379636.1 and 10 more transcripts); c.2477C>T, p.Thr826Met (NM_001379637.1, NM_001379648.1); short protein forms T801M, T810M, T835M, T826M.
Identifiers: ClinVar variation 650872 (VCV000650872.9), dbSNP rs772046874, ClinGen allele CA2208107.
Genomic context (GRCh38, chr2:240,760,680, plus strand): 5'-CAGGAGGACCCTCCCACCATCCACCCAGCGGCCCTCCAGCCCCACCTGAGCTTCTCCAGC[G>A]TCCAGTAGTGGGTGGCCCCGTTCTTCTGGTCCTGGACCTCCACGGCCACAATGGTGCGGG-3'
Protein context (NP_001230937.1, residues 800-820): DQKNGATHYW[Thr810Met]LEKLRQRLDL